The following is an entry in ClinVar:

ClinVar aggregate classification (germline): Uncertain significance (1 of 4 stars; one submission).

Conditions:
Inborn genetic diseases. Identifiers: MedGen C0950123, MeSH D030342.

Submission:

Ambry Genetics
Classification: Uncertain significance for Inborn genetic diseases. Last evaluated: 2025-08-20. Review status: criteria provided, single submitter. Criteria: Ambry Variant Classification Scheme 2023. Collection method: clinical testing. Allele origin: germline.
Comment: The p.K747Q variant (also known as c.2239A>C), located in coding exon 8 of the MECOM gene, results from an A to C substitution at nucleotide position 2239. The lysine at codon 747 is replaced by glutamine, an amino acid with similar properties. This amino acid position is conserved. In addition, this alteration is predicted to be tolerated by in silico analysis. Based on the available evidence, the clinical significance of this variant remains unclear.

NM_004991.4(MECOM):c.2239A>C (p.Lys747Gln)

Gene: MECOM (MDS1 and EVI1 complex locus; minus strand). Cytogenetic location: 3q26.2.
Variant type: single nucleotide variant.
Coding change: c.2239A>C on transcript NM_004991.4 (MANE Select); coding-DNA position 2239, A replaced by C.
Protein change: p.Lys747Gln; replaces lysine 747 with glutamine.
Molecular consequence: missense variant.
Genome position (GRCh38, 1-based): chr3:169,115,633, T>G on the plus strand (A>C on the coding strand, the complement: MECOM is on the minus strand). VCF-style: chr3-169115633-T-G. GRCh37 (hg19) VCF-style: chr3-168833421-T-G.
Other names: c.1870A>C, p.Lys624Gln (NM_001105077.4); c.1675A>C, p.Lys559Gln (NM_001105078.4, NM_001164000.2, NM_001205194.2 and 4 more transcripts); c.1678A>C, p.Lys560Gln (NM_001163999.2, NM_001366467.2, NM_001366468.2 and 1 more transcripts); c.2239A>C, p.Lys747Gln (NM_001366466.2); c.1267A>C, p.Lys423Gln (NM_001366473.2); c.703A>C, p.Lys235Gln (NM_001366474.2); short protein forms K235Q, K423Q, K559Q, K560Q, K624Q, K747Q.
Identifiers: ClinVar variation 4105858 (VCV004105858.1).
Genomic context (GRCh38, chr3:169,115,633, plus strand): 5'-TGGCAGGTGTCACTGGAGGCTTGGAGGGGACTGGAGTCAAGGGCTTCTCATCCTTTCGCT[T>G]AGTGGTGAGATCAAAGGGGGACTCAGAGCTGCCCTTCTGCAGTTTCTTTACTTCACCTGG-3'
Protein context (NP_004982.2, residues 737-757): SSESPFDLTT[Lys747Gln]RKDEKPLTPV